The following is an entry in ClinVar:

NM_004525.3(LRP2):c.3667+2T>A

Gene: LRP2 (LDL receptor related protein 2; minus strand). Cytogenetic location: 2q31.1.
Variant type: single nucleotide variant.
Coding change: c.3667+2T>A on transcript NM_004525.3 (MANE Select); the canonical splice donor site of the intron after coding-DNA position 3667, T replaced by A.
Molecular consequence: splice donor variant.
Genome position (GRCh38, 1-based): chr2:169,242,954, A>T on the plus strand (T>A on the coding strand, the complement: LRP2 is on the minus strand). VCF-style: chr2-169242954-A-T. GRCh37 (hg19) VCF-style: chr2-170099464-A-T.
Identifiers: ClinVar variation 2822742 (VCV002822742.3), dbSNP rs1689862418, ClinGen allele CA349149738.

ClinVar aggregate classification (germline): Likely pathogenic (1 of 4 stars; one submission).

Allele frequency attached by ClinVar (database versions not stated): gnomAD exomes below 0.00001.
gnomAD v4.1: 1 of 1,610,474 alleles (0.000062%); highest among the groups gnomAD compares: Non-Finnish European, 0.000085%; no homozygotes.

Submission:

Labcorp Genetics (formerly Invitae), Labcorp
Classification: Likely pathogenic. Last evaluated: 2022-12-29. Review status: criteria provided, single submitter. Criteria: Invitae Variant Classification Sherloc (09022015). Collection method: clinical testing. Allele origin: germline.
Comment: This sequence change affects a donor splice site in intron 24 of the LRP2 gene. It is expected to disrupt RNA splicing. Variants that disrupt the donor or acceptor splice site typically lead to a loss of protein function (PMID: 16199547), and loss-of-function variants in LRP2 are known to be pathogenic (PMID: 17632512, 25682901). This variant is not present in population databases (gnomAD no frequency). This variant has not been reported in the literature in individuals affected with LRP2-related conditions. Algorithms developed to predict the effect of sequence changes on RNA splicing suggest that this variant may disrupt the consensus splice site. In summary, the currently available evidence indicates that the variant is pathogenic, but additional data are needed to prove that conclusively. Therefore, this variant has been classified as Likely Pathogenic.

Literature cited by the submitters: PubMed 16199547; PubMed 17632512; PubMed 25682901.